The following is an entry in ClinVar:

NM_001256071.3(RNF213):c.10850C>T (p.Ala3617Val)

Genes: RNF213 (ring finger protein 213; plus strand), RNF213-AS1 (RNF213 antisense RNA 1; minus strand). Cytogenetic location: 17q25.3.
Variant type: single nucleotide variant.
Coding change: c.10850C>T on transcript NM_001256071.3 (MANE Select); coding-DNA position 10850, C replaced by T.
Protein change: p.Ala3617Val; replaces alanine 3617 with valine.
Molecular consequence: missense variant. On other transcripts: non-coding transcript variant (1).
Genome position (GRCh38, 1-based): chr17:80,354,564, C>T. VCF-style: chr17-80354564-C-T. GRCh37 (hg19) VCF-style: chr17-78328364-C-T.
Other names: c.10997C>T, p.Ala3666Val (NM_001410195.1, NM_020914.5); short protein forms A3617V, A3666V.
Identifiers: ClinVar variation 3360351 (VCV003360351.1).
Genomic context (GRCh38, chr17:80,354,564, plus strand): 5'-AGTTTCACCCTCTGGAGTGGTTGGCAAGGGAAGCCTGCAACCAGGACGCTCTCCAGGAGG[C>T]GGGCACATTCAGGTACTGTGACTAAAGGAAGCAAGGAGTGGCTCCAATCTGGTGGCAGCA-3'
Protein context (NP_001243000.2, residues 3607-3627): EACNQDALQE[Ala3617Val]GTFRHTLWKR

ClinVar aggregate classification (germline): Uncertain significance (1 of 4 stars; one submission).

gnomAD v4.1: 124 of 1,614,178 alleles (0.0077%); highest among the groups gnomAD compares: Admixed American, 0.017%; no homozygotes.

Submission:

GeneDx
Classification: Uncertain significance. Last evaluated: 2023-06-29. Review status: criteria provided, single submitter. Criteria: GeneDx Variant Classification Process June 2021. Collection method: clinical testing. Allele origin: germline. Affected: yes.
Comment: In silico analysis supports that this missense variant has a deleterious effect on protein structure/function; In silico analysis additionally supports a deleterious effect on splicing; Has not been previously published in association with moyamoya disease to our knowledge; This variant is associated with the following publications: (PMID: 27745834)